The following is an entry in ClinVar:

NM_018100.4(EFHC1):c.583G>C (p.Glu195Gln)

Gene: EFHC1 (EF-hand domain containing 1; plus strand). Cytogenetic location: 6p12.2.
Variant type: single nucleotide variant.
Coding change: c.583G>C on transcript NM_018100.4 (MANE Select); coding-DNA position 583, G replaced by C.
Protein change: p.Glu195Gln; replaces glutamic acid 195 with glutamine.
Molecular consequence: missense variant. On other transcripts: non-coding transcript variant (1).
Genome position (GRCh38, 1-based): chr6:52,452,697, G>C. VCF-style: chr6-52452697-G-C. GRCh37 (hg19) VCF-style: chr6-52317495-G-C.
Other names: c.526G>C, p.Glu176Gln (NM_001172420.2); short protein forms E176Q, E195Q.
Identifiers: ClinVar variation 1709704 (VCV001709704.2), dbSNP rs770971528, ClinGen allele CA364451972.

ClinVar aggregate classification (germline): Uncertain significance (1 of 4 stars; one submission).

Conditions:
Myoclonic epilepsy, juvenile, susceptibility to, 1. Also called: Myoclonic Epilepsy, Juvenile, 1; EJM1. Identifiers: MedGen C1850778, MONDO:0020752, OMIM 254770.

Submission:

MGZ Medical Genetics Center
Classification: Uncertain significance for Myoclonic epilepsy, juvenile, susceptibility to, 1. Last evaluated: 2022-08-01. Review status: criteria provided, single submitter. Criteria: ACMG Guidelines, 2015. Collection method: clinical testing. Allele origin: germline. Affected: yes. Observed: 1 variant allele.
Comment: ACMG criteria applied: PM2_SUP, BP4